The following is an entry in ClinVar:

NM_000492.4(CFTR):c.489+8T>G

Gene: CFTR (CF transmembrane conductance regulator; plus strand). Cytogenetic location: 7q31.2.
Variant type: single nucleotide variant.
Coding change: c.489+8T>G on transcript NM_000492.4 (MANE Select); 8 bases into the intron after coding-DNA position 489, T replaced by G.
Molecular consequence: intron variant.
Genome position (GRCh38, 1-based): chr7:117,531,122, T>G. VCF-style: chr7-117531122-T-G. GRCh37 (hg19) VCF-style: chr7-117171176-T-G.
Identifiers: ClinVar variation 416598 (VCV000416598.23), dbSNP rs727504712, ClinGen allele CA4450733.

ClinVar aggregate classification (germline): Conflicting classifications of pathogenicity. Review status: criteria provided, conflicting classifications (1 of 4 stars). 7 submissions from 7 submitters: Uncertain significance (1); Likely benign (5). 1 of the submissions does not count toward it. Last evaluated 2025-09-28.

Conditions:
Cystic fibrosis (CF). Also called: MUCOVISCIDOSIS. Identifiers: Orphanet 586, MedGen C0010674, MONDO:0009061, OMIM 219700. Disease mechanism: loss of function.

Allele frequency attached by ClinVar (database versions not stated): TOPMed 0.00004; gnomAD 0.00003.
gnomAD v4.1: 29 of 1,592,996 alleles (0.0018%); highest among the groups gnomAD compares: Non-Finnish European, 0.0024%; no homozygotes.

Submissions (7):

Labcorp Genetics (formerly Invitae), Labcorp
Classification: Likely benign for Cystic fibrosis. Last evaluated: 2025-09-28. Review status: criteria provided, single submitter. Criteria: Invitae Variant Classification Sherloc (09022015). Collection method: clinical testing. Allele origin: germline.

Women's Health and Genetics/Laboratory Corporation of America, LabCorp
Classification: Likely benign. Last evaluated: 2025-04-22. Review status: criteria provided, single submitter. Criteria: LabCorp Variant Classification Summary - May 2015. Collection method: clinical testing. Allele origin: germline.
Comment: Variant summary: CFTR c.489+8T>G alters a non-conserved nucleotide located at a position not widely known to affect splicing. Consensus agreement among computation tools predict no significant impact on normal splicing. However, these predictions have yet to be confirmed by functional studies. The variant allele was found at a frequency of 3.3e-05 in 242394 control chromosomes. The available data on variant occurrences in the general population are insufficient to allow any conclusion about variant significance. To our knowledge, no occurrence of c.489+8T>G in individuals affected with Cystic Fibrosis and no experimental evidence demonstrating its impact on protein function have been reported. ClinVar contains an entry for this variant (Variation ID: 416598). Based on the evidence outlined above, the variant was classified as likely benign.

ARUP Laboratories, Molecular Genetics and Genomics, ARUP Laboratories
Classification: Likely benign. Last evaluated: 2024-02-02. Review status: criteria provided, single submitter. Criteria: ARUP Molecular Germline Variant Investigation Process 2024. Collection method: clinical testing. Allele origin: germline.

Ambry Genetics
Classification: Likely benign for Cystic fibrosis. Last evaluated: 2023-11-20. Review status: criteria provided, single submitter. Criteria: Ambry Variant Classification Scheme 2023. Collection method: clinical testing. Allele origin: germline.

Genome-Nilou Lab
Classification: Likely benign for Cystic fibrosis. Last evaluated: 2021-07-22. Review status: criteria provided, single submitter. Criteria: ACMG Guidelines, 2015. Collection method: clinical testing. Allele origin: germline. Affected: no.

Eurofins Ntd Llc (ga)
Classification: Uncertain significance. Last evaluated: 2018-02-20. Review status: criteria provided, single submitter. Criteria: EGL ClinVar v180209 classification definitions. Collection method: clinical testing. Allele origin: germline. Observed: 1 variant allele, 1 heterozygote.

Natera, Inc.
Classification: Likely benign for Cystic Fibrosis. Last evaluated: 2020-09-16. Review status: no assertion criteria provided. Collection method: clinical testing. Allele origin: germline. Not counted in ClinVar's aggregate classification.